The following is an entry in ClinVar:

NM_199242.3(UNC13D):c.2626-7T>G

Genes: UNC13D (unc-13 homolog D; minus strand), LOC112533672 (Sharpr-MPRA regulatory region 1193; plus strand). Cytogenetic location: 17q25.1.
Variant type: single nucleotide variant.
Coding change: c.2626-7T>G on transcript NM_199242.3 (MANE Select); 7 bases into the intron before coding-DNA position 2626, T replaced by G.
Molecular consequence: intron variant.
Genome position (GRCh38, 1-based): chr17:75,830,668, A>C on the plus strand (T>G on the coding strand, the complement: UNC13D is on the minus strand). VCF-style: chr17-75830668-A-C. GRCh37 (hg19) VCF-style: chr17-73826749-A-C.
Identifiers: ClinVar variation 1928273 (VCV001928273.2), dbSNP rs1335198994, ClinGen allele CA627419578.

ClinVar aggregate classification (germline): Uncertain significance (1 of 4 stars; one submission).

Conditions:
Familial hemophagocytic lymphohistiocytosis 3 (FHL3). Also called: UNC13D-Related Familial Hemophagocytic Lymphohistiocytosis (UNC13D-fHLH). Identifiers: Orphanet 540, MedGen C1837174, MONDO:0012146, OMIM 608898.

Allele frequency attached by ClinVar (database versions not stated): gnomAD exomes below 0.00001.
gnomAD v4.1: 2 of 1,553,208 alleles (0.00013%); highest among the groups gnomAD compares: Non-Finnish European, 0.00017%; no homozygotes.

Submission:

Labcorp Genetics (formerly Invitae), Labcorp
Classification: Uncertain significance for Familial hemophagocytic lymphohistiocytosis 3. Last evaluated: 2022-09-10. Review status: criteria provided, single submitter. Criteria: Invitae Variant Classification Sherloc (09022015). Collection method: clinical testing. Allele origin: germline.
Comment: This sequence change falls in intron 27 of the UNC13D gene. It does not directly change the encoded amino acid sequence of the UNC13D protein. This variant is present in population databases (no rsID available, gnomAD 0.002%). This variant has not been reported in the literature in individuals affected with UNC13D-related conditions. Algorithms developed to predict the effect of sequence changes on RNA splicing suggest that this variant may create or strengthen a splice site. In summary, the available evidence is currently insufficient to determine the role of this variant in disease. Therefore, it has been classified as a Variant of Uncertain Significance.